The following is an entry in ClinVar:

ClinVar aggregate classification (germline): Uncertain significance (1 of 4 stars; one submission).

Conditions:
Familial hemiplegic migraine. Identifiers: MedGen C0338484, MONDO:0000700.

Submission:

Labcorp Genetics (formerly Invitae), Labcorp
Classification: Uncertain significance for Familial hemiplegic migraine. Last evaluated: 2024-11-25. Review status: criteria provided, single submitter. Criteria: Invitae Variant Classification Sherloc (09022015). Collection method: clinical testing. Allele origin: germline.
Comment: This sequence change replaces aspartic acid, which is acidic and polar, with glutamic acid, which is acidic and polar, at codon 897 of the ATP1A2 protein (p.Asp897Glu). This variant is not present in population databases (gnomAD no frequency). This missense change has been observed in individual(s) with clinical features of autosomal dominant hemiplegic migraine (internal data). It has also been observed to segregate with disease in related individuals. Invitae Evidence Modeling of protein sequence and biophysical properties (such as structural, functional, and spatial information, amino acid conservation, physicochemical variation, residue mobility, and thermodynamic stability) has been performed for this missense variant. However, the output from this modeling did not meet the statistical confidence thresholds required to predict the impact of this variant on ATP1A2 protein function. In summary, the available evidence is currently insufficient to determine the role of this variant in disease. Therefore, it has been classified as a Variant of Uncertain Significance.

NM_000702.4(ATP1A2):c.2691C>A (p.Asp897Glu)

Gene: ATP1A2 (ATPase Na+/K+ transporting subunit alpha 2; plus strand). Cytogenetic location: 1q23.2.
Variant type: single nucleotide variant.
Coding change: c.2691C>A on transcript NM_000702.4 (MANE Select); coding-DNA position 2691, C replaced by A.
Protein change: p.Asp897Glu; replaces aspartic acid 897 with glutamic acid.
Molecular consequence: missense variant.
Genome position (GRCh38, 1-based): chr1:160,136,697, C>A. VCF-style: chr1-160136697-C-A. GRCh37 (hg19) VCF-style: chr1-160106487-C-A.
Other names: short protein forms D897E.
Identifiers: ClinVar variation 3633645 (VCV003633645.2).
Genomic context (GRCh38, chr1:160,136,697, plus strand): 5'-ATCACGGCTACTGGGAATCCGCCTCGACTGGGATGACCGGACCATGAATGATCTGGAGGA[C>A]AGCTATGGACAGGAGTGGGTGAGTGGTGCTGTGTAAACACAGCGCACATGTGTGAAGGTA-3'
Protein context (NP_000693.1, residues 887-907): WDDRTMNDLE[Asp897Glu]SYGQEWTYEQ